The following is an entry in ClinVar:

ClinVar aggregate classification (germline): Conflicting classifications of pathogenicity. Review status: criteria provided, conflicting classifications (1 of 4 stars). 3 submissions from 3 submitters: Uncertain significance (2); Likely benign (1). Last evaluated 2025-08-08.

Conditions:
Cardiomyopathy (CMYO). Also called: Cardiomyopathies. Identifiers: Orphanet 167848, MedGen C0878544, MONDO:0004994, HP:0001638. Inheritance: Various modes of inheritance.
Hypertrophic cardiomyopathy. Also called: HYPERTROPHIC MYOCARDIOPATHY. Identifiers: Orphanet 217569, MedGen C0007194, MeSH D002312, MONDO:0005045, HP:0001639.

Allele frequency attached by ClinVar (database versions not stated): gnomAD exomes 0.00001; TOPMed below 0.00001; ExAC 0.00002.
gnomAD v4.1: 20 of 1,610,292 alleles (0.0012%); highest among the groups gnomAD compares: Non-Finnish European, 0.0014%; no homozygotes.

Submissions (3):

Color Diagnostics, LLC DBA Color Health
Classification: Likely benign for Cardiomyopathy. Last evaluated: 2025-08-08. Review status: criteria provided, single submitter. Criteria: ACMG Guidelines, 2015. Collection method: clinical testing. Allele origin: germline.

Labcorp Genetics (formerly Invitae), Labcorp
Classification: Uncertain significance for Hypertrophic cardiomyopathy. Last evaluated: 2024-09-06. Review status: criteria provided, single submitter. Criteria: Invitae Variant Classification Sherloc (09022015). Collection method: clinical testing. Allele origin: germline.
Comment: This sequence change replaces alanine, which is neutral and non-polar, with threonine, which is neutral and polar, at codon 181 of the MYBPC3 protein (p.Ala181Thr). The frequency data for this variant in the population databases is considered unreliable, as metrics indicate poor data quality at this position in the gnomAD database. This variant has not been reported in the literature in individuals affected with MYBPC3-related conditions. ClinVar contains an entry for this variant (Variation ID: 924997). An algorithm developed to predict the effect of missense changes on protein structure and function (PolyPhen-2) suggests that this variant is likely to be disruptive. In summary, the available evidence is currently insufficient to determine the role of this variant in disease. Therefore, it has been classified as a Variant of Uncertain Significance.

All of Us Research Program, National Institutes of Health
Classification: Uncertain significance for Hypertrophic cardiomyopathy. Last evaluated: 2023-03-23. Review status: criteria provided, single submitter. Criteria: ACMG Guidelines, 2015. Collection method: clinical testing. Allele origin: germline. Inheritance: Autosomal dominant inheritance. Observed: 1 variant allele, 1 heterozygote.
Comment: This missense variant replaces alanine with threonine at codon 181 of the MYBPC3 protein. Computational prediction tools and conservation analyses are inconclusive regarding the impact of this variant on the protein function. Computational splicing tools suggest that this variant may not impact RNA splicing. To our knowledge, functional assays have not been performed for this variant. This variant has been reported in two South African individuals affected with hypertrophic cardiomyopathy, as well as in two control individuals (De Lange 2004). This variant has not been identified in the general population by the Genome Aggregation Database (gnomAD). Available evidence is insufficient to determine the role of this variant in disease conclusively. Therefore, this variant is classified as a Variant of Uncertain Significance.

This study involves interpretation of variants in research participants for the purpose of population health screening. Participant phenotype was not available at the time of variant classification. Additional details can be found in publication PMID: 35346344, PMCID: PMC8962531

NM_000256.3(MYBPC3):c.541G>A (p.Ala181Thr)

Gene: MYBPC3 (myosin binding protein C3; minus strand). Cytogenetic location: 11p11.2.
Variant type: single nucleotide variant.
Coding change: c.541G>A on transcript NM_000256.3 (MANE Select); coding-DNA position 541, G replaced by A.
Protein change: p.Ala181Thr; replaces alanine 181 with threonine.
Molecular consequence: missense variant.
Genome position (GRCh38, 1-based): chr11:47,349,887, C>T on the plus strand (G>A on the coding strand, the complement: MYBPC3 is on the minus strand). VCF-style: chr11-47349887-C-T. GRCh37 (hg19) VCF-style: chr11-47371438-C-T.
Other names: short protein forms A181T.
Identifiers: ClinVar variation 924997 (VCV000924997.10), dbSNP rs773646282, ClinGen allele CA055951.
Genomic context (GRCh38, chr11:47,349,887, plus strand): 5'-TGCTCAGGTCCACCCATTTGCCCTTGAACCACTTGACCACAGGCGGCTTCAGGAGGCTGG[C>T]GCCGGCCACGCGGGCTGAGAAGGTGATGCTGCCACCTGCAAAGGCAGGGGCGACAGGCCC-3'
Protein context (NP_000247.2, residues 171-191): SITFSARVAG[Ala181Thr]SLLKPPVVKW